The following is an entry in ClinVar:

NM_001851.6(COL9A1):c.1288-117A>G

Gene: COL9A1 (collagen type IX alpha 1 chain; minus strand). Cytogenetic location: 6q13.
Variant type: single nucleotide variant.
Coding change: c.1288-117A>G on transcript NM_001851.6 (MANE Select); 117 bases into the intron before coding-DNA position 1288, A replaced by G.
Molecular consequence: intron variant.
Genome position (GRCh38, 1-based): chr6:70,266,887, T>C on the plus strand (A>G on the coding strand, the complement: COL9A1 is on the minus strand). VCF-style: chr6-70266887-T-C. GRCh37 (hg19) VCF-style: chr6-70976590-T-C.
Other names: c.559-117A>G (NM_001377290.1, NM_078485.4, NM_001377289.1).
Identifiers: ClinVar variation 679618 (VCV000679618.1), dbSNP rs3818575, ClinGen allele CA140877231.
Genomic context (GRCh38, chr6:70,266,887, plus strand): 5'-GCTCATAAAGTGATCCTGCTTCCCTAAATCAGTGCCAATGTATTACTAAGAAATGAGTTA[T>C]GTCACAAAGAAAATTAATGCCTTAAATGACCTTAACAGCACCATGACTGCCATATATAAT-3'

ClinVar aggregate classification (germline): Likely benign (1 of 4 stars; one submission).

Allele frequency attached by ClinVar (database versions not stated): TOPMed 0.00424; 1000 Genomes Project 30x 0.01234; 1000 Genomes Project 0.01278.
gnomAD v4.1: 5,075 of 847,048 alleles (0.6%); highest among the groups gnomAD compares: East Asian, 5.1%; 101 homozygotes.

Submission:

GeneDx
Classification: Likely benign. Last evaluated: 2018-06-14. Review status: criteria provided, single submitter. Criteria: GeneDx Variant Classification (06012015). Collection method: clinical testing. Allele origin: germline. Affected: yes.
Comment: This variant is considered likely benign or benign based on one or more of the following criteria: it is a conservative change, it occurs at a poorly conserved position in the protein, it is predicted to be benign by multiple in silico algorithms, and/or has population frequency not consistent with disease.